The following is an entry in ClinVar:

ClinVar aggregate classification (germline): Uncertain significance (1 of 4 stars; one submission).

Conditions:
Acrocallosal syndrome (ACLS). Also called: HALLUX DUPLICATION, POSTAXIAL POLYDACTYLY, AND ABSENCE OF CORPUS CALLOSUM; Schinzel syndrome 1; Absence of corpus callosum with unusual facial appearance, mental deficiency, duplication of the halluces and polydactyly. Identifiers: Orphanet 36, MedGen C0796147, MONDO:0008708, OMIM 200990.

Allele frequency attached by ClinVar (database versions not stated): gnomAD exomes below 0.00001.
gnomAD v4.1: 5 of 1,362,362 alleles (0.00037%); highest among the groups gnomAD compares: Non-Finnish European, 0.00047%; no homozygotes.

Submission:

Labcorp Genetics (formerly Invitae), Labcorp
Classification: Uncertain significance for Acrocallosal syndrome. Last evaluated: 2022-09-12. Review status: criteria provided, single submitter. Criteria: Invitae Variant Classification Sherloc (09022015). Collection method: clinical testing. Allele origin: germline.
Comment: This sequence change replaces isoleucine, which is neutral and non-polar, with valine, which is neutral and non-polar, at codon 384 of the KIF7 protein (p.Ile384Val). This variant is not present in population databases (gnomAD no frequency). This variant has not been reported in the literature in individuals affected with KIF7-related conditions. ClinVar contains an entry for this variant (Variation ID: 1348548). Advanced modeling of protein sequence and biophysical properties (such as structural, functional, and spatial information, amino acid conservation, physicochemical variation, residue mobility, and thermodynamic stability) performed at Invitae indicates that this missense variant is not expected to disrupt KIF7 protein function. In summary, the available evidence is currently insufficient to determine the role of this variant in disease. Therefore, it has been classified as a Variant of Uncertain Significance.

NM_198525.3(KIF7):c.1150A>G (p.Ile384Val)

Gene: KIF7 (kinesin family member 7; minus strand). Cytogenetic location: 15q26.1.
Variant type: single nucleotide variant.
Coding change: c.1150A>G on transcript NM_198525.3 (MANE Select); coding-DNA position 1150, A replaced by G.
Protein change: p.Ile384Val; replaces isoleucine 384 with valine.
Molecular consequence: missense variant.
Genome position (GRCh38, 1-based): chr15:89,648,548, T>C on the plus strand (A>G on the coding strand, the complement: KIF7 is on the minus strand). VCF-style: chr15-89648548-T-C. GRCh37 (hg19) VCF-style: chr15-90191779-T-C.
Other names: short protein forms I384V.
Identifiers: ClinVar variation 1348548 (VCV001348548.3), dbSNP rs1596078329, ClinGen allele CA393772199.